The following is an entry in ClinVar:

NM_004991.4(MECOM):c.1382A>G (p.His461Arg)

Gene: MECOM (MDS1 and EVI1 complex locus; minus strand). Cytogenetic location: 3q26.2.
Variant type: single nucleotide variant.
Coding change: c.1382A>G on transcript NM_004991.4 (MANE Select); coding-DNA position 1382, A replaced by G.
Protein change: p.His461Arg; replaces histidine 461 with arginine.
Molecular consequence: missense variant. On other transcripts: intron variant (2).
Genome position (GRCh38, 1-based): chr3:169,116,490, T>C on the plus strand (A>G on the coding strand, the complement: MECOM is on the minus strand). VCF-style: chr3-169116490-T-C. GRCh37 (hg19) VCF-style: chr3-168834278-T-C.
Other names: c.1013A>G, p.His338Arg (NM_001105077.4); c.818A>G, p.His273Arg (NM_001105078.4, NM_001164000.2, NM_001205194.2 and 4 more transcripts); c.821A>G, p.His274Arg (NM_001163999.2, NM_001366467.2, NM_001366468.2 and 1 more transcripts); c.1382A>G, p.His461Arg (NM_001366466.2); c.1133-723A>G (NM_001366473.2); c.569-723A>G (NM_001366474.2); short protein forms H273R, H338R, H461R, H274R.
Identifiers: ClinVar variation 3871893 (VCV003871893.1).

ClinVar aggregate classification (germline): Uncertain significance (1 of 4 stars; one submission).

Conditions:
Inborn genetic diseases. Identifiers: MedGen C0950123, MeSH D030342.

gnomAD v4.1: 1 of 1,614,200 alleles (0.000062%); highest among the groups gnomAD compares: Non-Finnish European, 0.000085%; no homozygotes.

Submission:

Ambry Genetics
Classification: Uncertain significance for Inborn genetic diseases. Last evaluated: 2025-03-09. Review status: criteria provided, single submitter. Criteria: Ambry Variant Classification Scheme 2023. Collection method: clinical testing. Allele origin: germline.
Comment: The p.H461R variant (also known as c.1382A>G), located in coding exon 8 of the MECOM gene, results from an A to G substitution at nucleotide position 1382. The histidine at codon 461 is replaced by arginine, an amino acid with highly similar properties. This amino acid position is conserved. In addition, the in silico prediction for this alteration is inconclusive. Based on the available evidence, the clinical significance of this variant remains unclear.